The following is an entry in ClinVar:

NM_001371623.1(TCOF1):c.3031C>T (p.Gln1011Ter)

Gene: TCOF1 (treacle ribosome biogenesis factor 1; plus strand). Cytogenetic location: 5q32.
Variant type: single nucleotide variant.
Coding change: c.3031C>T on transcript NM_001371623.1 (MANE Select); coding-DNA position 3031, C replaced by T.
Protein change: p.Gln1011Ter; replaces glutamine 1011 with a stop codon.
Molecular consequence: nonsense.
Genome position (GRCh38, 1-based): chr5:150,388,073, C>T. VCF-style: chr5-150388073-C-T. GRCh37 (hg19) VCF-style: chr5-149767636-C-T.
Other names: c.2800C>T, p.Gln934Ter (NM_000356.4, NM_001135245.2); c.3031C>T, p.Gln1011Ter (NM_001135243.2, NM_001135244.2, NM_001195141.2); short protein forms Q1011*, Q934*.
Identifiers: ClinVar variation 431983 (VCV000431983.2), dbSNP rs1554077988, ClinGen allele CA361764074.

ClinVar aggregate classification (germline): Pathogenic (1 of 4 stars; one submission).

Submission:

GeneDx
Classification: Pathogenic. Last evaluated: 2017-06-06. Review status: criteria provided, single submitter. Criteria: GeneDx Variant Classification (06012015). Collection method: clinical testing. Allele origin: germline. Affected: yes.
Comment: The Q1011X nonsense variant in the TCOF1 gene has been reported previously in at least one family with a clinical diagnosis of Treacher Collins syndrome (Teber et al., 2004). This variant is predicted to cause loss of normal protein function either through protein truncation or nonsense-mediated mRNA decay. The Q1011X variant is not observed in large population cohorts (Lek et al., 2016). Based on currently available evidence, we consider Q1011X to be pathogenic.